The following is an entry in ClinVar:

ClinVar aggregate classification (germline): Uncertain significance. Review status: criteria provided, multiple submitters, no conflicts (2 of 4 stars). 2 submissions from 2 submitters: Uncertain significance (2). Last evaluated 2026-06-03.

Conditions:
Inborn genetic diseases. Identifiers: MedGen C0950123, MeSH D030342.

gnomAD v4.1: 5 of 1,614,148 alleles (0.00031%); highest among the groups gnomAD compares: Non-Finnish European, 0.00042%; no homozygotes.

Submissions (2):

Ambry Genetics
Classification: Uncertain significance for Inborn genetic diseases. Last evaluated: 2026-06-03. Review status: criteria provided, single submitter. Criteria: Ambry Variant Classification Scheme 2023. Collection method: clinical testing. Allele origin: germline.

Labcorp Genetics (formerly Invitae), Labcorp
Classification: Uncertain significance. Last evaluated: 2025-11-18. Review status: criteria provided, single submitter. Criteria: Invitae Variant Classification Sherloc (09022015). Collection method: clinical testing. Allele origin: germline.
Comment: This sequence change replaces aspartic acid, which is acidic and polar, with histidine, which is basic and polar, at codon 8 of the LBR protein (p.Asp8His). This variant is not present in population databases (gnomAD no frequency). This variant has not been reported in the literature in individuals affected with LBR-related conditions. ClinVar contains an entry for this variant (Variation ID: 1980277). Invitae Evidence Modeling of protein sequence and biophysical properties (such as structural, functional, and spatial information, amino acid conservation, physicochemical variation, residue mobility, and thermodynamic stability) has been performed for this missense variant. However, the output from this modeling did not meet the statistical confidence thresholds required to predict the impact of this variant on LBR protein function. In summary, the available evidence is currently insufficient to determine the role of this variant in disease. Therefore, it has been classified as a Variant of Uncertain Significance.

NM_002296.4(LBR):c.22G>C (p.Asp8His)

Gene: LBR (lamin B receptor; minus strand). Cytogenetic location: 1q42.12.
Variant type: single nucleotide variant.
Coding change: c.22G>C on transcript NM_002296.4 (MANE Select); coding-DNA position 22, G replaced by C.
Protein change: p.Asp8His; replaces aspartic acid 8 with histidine.
Molecular consequence: missense variant.
Genome position (GRCh38, 1-based): chr1:225,424,054, C>G on the plus strand (G>C on the coding strand, the complement: LBR is on the minus strand). VCF-style: chr1-225424054-C-G. GRCh37 (hg19) VCF-style: chr1-225611756-C-G.
Other names: c.22G>C (NM_002296.3); c.22G>C, p.Asp8His (NM_194442.3); short protein forms D8H.
Identifiers: ClinVar variation 1980277 (VCV001980277.5), dbSNP rs764873714, ClinGen allele CA345003637.